The following is an entry in ClinVar:

ClinVar aggregate classification (germline): Uncertain significance (1 of 4 stars; one submission).

Submission:

Labcorp Genetics (formerly Invitae), Labcorp
Classification: Uncertain significance. Last evaluated: 2023-09-13. Review status: criteria provided, single submitter. Criteria: Invitae Variant Classification Sherloc (09022015). Collection method: clinical testing. Allele origin: germline.
Comment: In summary, the available evidence is currently insufficient to determine the role of this variant in disease. Therefore, it has been classified as a Variant of Uncertain Significance. Advanced modeling of protein sequence and biophysical properties (such as structural, functional, and spatial information, amino acid conservation, physicochemical variation, residue mobility, and thermodynamic stability) has been performed at Invitae for this missense variant, however the output from this modeling did not meet the statistical confidence thresholds required to predict the impact of this variant on SI protein function. This variant has not been reported in the literature in individuals affected with SI-related conditions. This variant is not present in population databases (gnomAD no frequency). This sequence change replaces threonine, which is neutral and polar, with isoleucine, which is neutral and non-polar, at codon 694 of the SI protein (p.Thr694Ile).

NM_001041.4(SI):c.2081C>T (p.Thr694Ile)

Gene: SI (sucrase-isomaltase; minus strand). Cytogenetic location: 3q26.1.
Variant type: single nucleotide variant.
Coding change: c.2081C>T on transcript NM_001041.4 (MANE Select); coding-DNA position 2081, C replaced by T.
Protein change: p.Thr694Ile; replaces threonine 694 with isoleucine.
Molecular consequence: missense variant.
Genome position (GRCh38, 1-based): chr3:165,041,018, G>A on the plus strand (C>T on the coding strand, the complement: SI is on the minus strand). VCF-style: chr3-165041018-G-A. GRCh37 (hg19) VCF-style: chr3-164758806-G-A.
Other names: short protein forms T694I.
Identifiers: ClinVar variation 2727841 (VCV002727841.3), dbSNP rs1712801599, ClinGen allele CA355050608.